The following is an entry in ClinVar:

ClinVar aggregate classification (germline): Uncertain significance. Review status: criteria provided, multiple submitters, no conflicts (2 of 4 stars). 2 submissions from 2 submitters: Uncertain significance (2). Last evaluated 2025-07-13.

Conditions:
Syndromic X-linked intellectual disability 94 (MRXSW). Also called: MENTAL RETARDATION, X-LINKED, SYNDROMIC 29; X-linked intellectual disability due to GRIA3 anomalies. Identifiers: Orphanet 364028, MedGen C2678051, MONDO:0010402, OMIM 300699.

Submissions (2):

Dasa
Classification: Uncertain significance for Syndromic X-linked intellectual disability 94. Last evaluated: 2025-07-13. Review status: criteria provided, single submitter. Criteria: DASA Assertion Criteria. Collection method: clinical testing. Allele origin: germline.
Comment: NM_007325.5(GRIA3):c.2566C>T (p.Arg856Cys) is a missense variant that results in the substitution of arginine with cysteine. This variant is absent from population databases. Computational prediction algorithms are consistent with a benign effect. The currently available literature and clinical evidence are not sufficient to establish a definitive association between this variant and the reported condition. Therefore, this variant is classified as a variant of uncertain significance.

Blueprint Genetics
Classification: Uncertain significance. Last evaluated: 2024-10-21. Review status: criteria provided, single submitter. Criteria: ACMG Guidelines, 2015. Collection method: clinical testing. Allele origin: germline.

NM_007325.5(GRIA3):c.2566C>T (p.Arg856Cys)

Gene: GRIA3 (glutamate ionotropic receptor AMPA type subunit 3; plus strand). Cytogenetic location: Xq25.
Variant type: single nucleotide variant.
Coding change: c.2566C>T on transcript NM_007325.5 (MANE Select); coding-DNA position 2566, C replaced by T.
Protein change: p.Arg856Cys; replaces arginine 856 with cysteine.
Molecular consequence: missense variant.
Genome position (GRCh38, 1-based): chrX:123,482,925, C>T. VCF-style: chrX-123482925-C-T. GRCh37 (hg19) VCF-style: chrX-122616776-C-T.
Other names: c.2566C>T, p.Arg856Cys (NM_000828.5); short protein forms R856C.
Identifiers: ClinVar variation 4882313 (VCV004882313.3).
Genomic context (GRCh38, chrX:123,482,925, plus strand): 5'-GGGCTGGCCATGATGGTGGCTTTGATAGAATTCTGTTACAAATCACGGGCAGAGTCCAAA[C>T]GCATGAAACTCACAAAGAACACCCAAAACTTTAAGCCTGCTCCTGCCACCAACACTCAGA-3'
Protein context (NP_015564.5, residues 846-866): FCYKSRAESK[Arg856Cys]MKLTKNTQNF